The following is an entry in ClinVar:

NM_002499.4(NEO1):c.4290A>G (p.Glu1430=)

Gene: NEO1 (neogenin 1; plus strand). Cytogenetic location: 15q24.1.
Variant type: single nucleotide variant.
Coding change: c.4290A>G on transcript NM_002499.4 (MANE Select); coding-DNA position 4290, A replaced by G.
Protein change: p.Glu1430=; no amino-acid change (glutamic acid 1430 retained).
Molecular consequence: synonymous variant.
Genome position (GRCh38, 1-based): chr15:73,301,445, A>G. VCF-style: chr15-73301445-A-G. GRCh37 (hg19) VCF-style: chr15-73593786-A-G.
Other names: c.4131A>G, p.Glu1377= (NM_001172623.2); c.4257A>G, p.Glu1419= (NM_001172624.2); c.4350A>G, p.Glu1450= (NM_001419531.1).
Identifiers: ClinVar variation 3046484 (VCV003046484.2), dbSNP rs149800857, ClinGen allele CA7648735.

ClinVar aggregate classification (germline): Likely benign (0 of 4 stars; one submission).

Conditions:
NEO1-related disorder. Also called: NEO1-related condition.

Allele frequency attached by ClinVar (database versions not stated): ExAC 0.00006; gnomAD 0.00019; TOPMed 0.00022; ESP Exome Variant Server 0.00023.
gnomAD v4.1: 79 of 1,614,180 alleles (0.0049%); highest among the groups gnomAD compares: African/African-American, 0.068%; 1 homozygote.

Submission:

PreventionGenetics, part of Exact Sciences
Classification: Likely benign for NEO1-related condition. Last evaluated: 2019-02-19. Review status: no assertion criteria provided. Collection method: clinical testing. Allele origin: germline.
Comment: This variant is classified as likely benign based on ACMG/AMP sequence variant interpretation guidelines (Richards et al. 2015 PMID: 25741868, with internal and published modifications).